The following is an entry in ClinVar:

NM_024334.3(TMEM43):c.689del (p.Asn230fs)

Gene: TMEM43 (transmembrane protein 43; plus strand). Cytogenetic location: 3p25.1.
Variant type: Deletion.
Coding change: c.689del on transcript NM_024334.3 (MANE Select); coding-DNA position 689, one base deleted (A; older notation c.689delA).
Protein change: p.Asn230fs; shifts the reading frame from asparagine 230.
Molecular consequence: frameshift variant.
Genome position (GRCh38, 1-based): chr3:14,134,875, A deleted; the last of 4 consecutive A bases (chr3:14,134,872-14,134,875); deleting any one gives the same sequence. VCF-style (leftmost placement, unchanged base first): chr3-14134871-GA-G. GRCh37 (hg19) VCF-style: chr3-14176371-GA-G.
Other names: c.692del, p.Asn231fs (NM_001407274.1); c.689del, p.Asn230fs (NM_001407275.1, NM_001407276.1, NM_001407277.1 and 1 more transcripts); c.674del, p.Asn225fs (NM_001407278.1); c.539del, p.Asn180fs (NM_001407280.1); c.689delA, p.Asn230Ilefs (NM_024334.2); short protein forms N180fs, N225fs, N230fs, N231fs.
Identifiers: ClinVar variation 3365372 (VCV003365372.1).

ClinVar aggregate classification (germline): Uncertain significance (1 of 4 stars; one submission).

Submission:

GeneDx
Classification: Uncertain significance. Last evaluated: 2023-12-07. Review status: criteria provided, single submitter. Criteria: GeneDx Variant Classification Process June 2021. Collection method: clinical testing. Allele origin: germline. Affected: yes.
Comment: Has not been previously published as pathogenic or benign to our knowledge; Not observed at significant frequency in large population cohorts (gnomAD); Frameshift variant predicted to result in protein truncation or nonsense mediated decay in a gene or region of a gene for which loss of function is not a well-established mechanism of disease